The following is an entry in ClinVar:

ClinVar aggregate classification (germline): Uncertain significance (1 of 4 stars; one submission).

Conditions:
Cardiac malformation, cleft lip/palate, microcephaly, and digital anomalies. Also called: CLEFT PALATE, CARDIAC DEFECTS, AND IMPAIRED INTELLECTUAL DEVELOPMENT. Identifiers: MedGen C1832950, MONDO:0010970, OMIM 600987.

gnomAD v4.1: 1 of 1,613,760 alleles (0.000062%); highest among the groups gnomAD compares: Non-Finnish European, 0.000085%; no homozygotes.

Submission:

Labcorp Genetics (formerly Invitae), Labcorp
Classification: Uncertain significance for Cardiac malformation, cleft lip/palate, microcephaly, and digital anomalies. Last evaluated: 2023-05-22. Review status: criteria provided, single submitter. Criteria: Invitae Variant Classification Sherloc (09022015). Collection method: clinical testing. Allele origin: germline.
Comment: In summary, the available evidence is currently insufficient to determine the role of this variant in disease. Therefore, it has been classified as a Variant of Uncertain Significance. Algorithms developed to predict the effect of sequence changes on RNA splicing suggest that this variant may create or strengthen a splice site. This variant has not been reported in the literature in individuals affected with MEIS2-related conditions. This variant is not present in population databases (gnomAD no frequency). This sequence change affects codon 44 of the MEIS2 mRNA. It is a 'silent' change, meaning that it does not change the encoded amino acid sequence of the MEIS2 protein.

NM_170675.5(MEIS2):c.132G>T (p.Pro44=)

Gene: MEIS2 (Meis homeobox 2; minus strand). Cytogenetic location: 15q14.
Variant type: single nucleotide variant.
Coding change: c.132G>T on transcript NM_170675.5 (MANE Select); coding-DNA position 132, G replaced by T.
Protein change: p.Pro44=; no amino-acid change (proline 44 retained).
Molecular consequence: synonymous variant. On other transcripts: 5 prime UTR variant (1), non-coding transcript variant (1).
Genome position (GRCh38, 1-based): chr15:37,098,080, C>A on the plus strand (G>T on the coding strand, the complement: MEIS2 is on the minus strand). VCF-style: chr15-37098080-C-A. GRCh37 (hg19) VCF-style: chr15-37390281-C-A.
Other names: c.132G>T, p.Pro44= (NM_001220482.2, NM_170674.5, NM_170676.5 and 1 more transcripts); c.93G>T, p.Pro31= (NM_002399.4, NM_172315.3); c.-110G>T (NM_172316.3).
Identifiers: ClinVar variation 2866794 (VCV002866794.3), dbSNP rs1414082204, ClinGen allele CA489661614.